The following is an entry in ClinVar:

ClinVar aggregate classification (germline): Uncertain significance (1 of 4 stars; one submission).

Conditions:
Progressive sclerosing poliodystrophy (MTDPS4A). Also called: Mitochondrial DNA depletion syndrome 4A (Alpers type); ALPERS DIFFUSE DEGENERATION OF CEREBRAL GRAY MATTER WITH HEPATIC CIRRHOSIS; Alpers-Huttenlocher Syndrome; Mitochondrial DNA Depletion Syndrome 4A; Alpers-Huttenlocher Syndrome (AHS); ALPERS PROGRESSIVE INFANTILE POLIODYSTROPHY. Identifiers: Orphanet 726, MedGen C0205710, MONDO:0008758, OMIM 203700.

Submission:

Labcorp Genetics (formerly Invitae), Labcorp
Classification: Uncertain significance for Progressive sclerosing poliodystrophy. Last evaluated: 2025-03-19. Review status: criteria provided, single submitter. Criteria: Invitae Variant Classification Sherloc (09022015). Collection method: clinical testing. Allele origin: germline.
Comment: This sequence change replaces glutamic acid, which is acidic and polar, with alanine, which is neutral and non-polar, at codon 183 of the POLG protein (p.Glu183Ala). This variant is not present in population databases (gnomAD no frequency). This variant has not been reported in the literature in individuals affected with POLG-related conditions. Invitae Evidence Modeling of protein sequence and biophysical properties (such as structural, functional, and spatial information, amino acid conservation, physicochemical variation, residue mobility, and thermodynamic stability) indicates that this missense variant is not expected to disrupt POLG protein function with a negative predictive value of 95%. In summary, the available evidence is currently insufficient to determine the role of this variant in disease. Therefore, it has been classified as a Variant of Uncertain Significance.

NM_002693.3(POLG):c.548A>C (p.Glu183Ala)

Genes: POLG (DNA polymerase gamma, catalytic subunit; minus strand), POLGARF (POLG alternative reading frame; minus strand). Cytogenetic location: 15q26.1.
Variant type: single nucleotide variant.
Coding change: c.548A>C on transcript NM_002693.3 (MANE Select); coding-DNA position 548, A replaced by C.
Protein change: p.Glu183Ala; replaces glutamic acid 183 with alanine.
Molecular consequence: missense variant. On other transcripts: synonymous variant (1).
Genome position (GRCh38, 1-based): chr15:89,333,207, T>G on the plus strand (A>C on the coding strand, the complement: POLG is on the minus strand). VCF-style: chr15-89333207-T-G. GRCh37 (hg19) VCF-style: chr15-89876438-T-G.
Other names: c.603A>C, p.Gly201= (NM_001430120.1); c.548A>C, p.Glu183Ala (NM_001126131.2); short protein forms E183A.
Identifiers: ClinVar variation 4775549 (VCV004775549.1).
Genomic context (GRCh38, chr15:89,333,207, plus strand): 5'-AAGCAGACCTCCACGTCGAACACCAGGGCCCGCTCCTCGGGGATGGCCACGGGTACGGCC[T>G]CCCCCTCGGGGCCGTACCGGGTCCAGCCCTCCGCCCAGGCCCAAGCCGGGGGCTTCGGGG-3'
Protein context (NP_002684.1, residues 173-193): EGWTRYGPEG[Glu183Ala]AVPVAIPEER